The following is an entry in ClinVar:

ClinVar aggregate classification (germline): Uncertain significance (1 of 4 stars; one submission).

Conditions:
Warts, hypogammaglobulinemia, infections, and myelokathexis. Also called: WHIM syndrome. Identifiers: MedGen C0472817, MONDO:0023880.

Allele frequency attached by ClinVar (database versions not stated): ExAC 0.00001; gnomAD 0.00001.

Submission:

Labcorp Genetics (formerly Invitae), Labcorp
Classification: Uncertain significance for Warts, hypogammaglobulinemia, infections, and myelokathexis. Last evaluated: 2024-12-03. Review status: criteria provided, single submitter. Criteria: Invitae Variant Classification Sherloc (09022015). Collection method: clinical testing. Allele origin: germline.
Comment: This sequence change replaces arginine, which is basic and polar, with proline, which is neutral and non-polar, at codon 334 of the CXCR4 protein (p.Arg334Pro). This variant is present in population databases (rs748189454, gnomAD 0.002%). This variant has not been reported in the literature in individuals affected with CXCR4-related conditions. ClinVar contains an entry for this variant (Variation ID: 2078316). An algorithm developed to predict the effect of missense changes on protein structure and function (PolyPhen-2) suggests that this variant is likely to be disruptive. In summary, the available evidence is currently insufficient to determine the role of this variant in disease. Therefore, it has been classified as a Variant of Uncertain Significance.

NM_003467.3(CXCR4):c.1001G>C (p.Arg334Pro)

Gene: CXCR4 (C-X-C motif chemokine receptor 4; minus strand). Cytogenetic location: 2q22.1.
Variant type: single nucleotide variant.
Coding change: c.1001G>C on transcript NM_003467.3 (MANE Select); coding-DNA position 1001, G replaced by C.
Protein change: p.Arg334Pro; replaces arginine 334 with proline.
Molecular consequence: missense variant.
Genome position (GRCh38, 1-based): chr2:136,114,927, C>G on the plus strand (G>C on the coding strand, the complement: CXCR4 is on the minus strand). VCF-style: chr2-136114927-C-G. GRCh37 (hg19) VCF-style: chr2-136872497-C-G.
Other names: c.1013G>C, p.Arg338Pro (NM_001008540.2); c.1214G>C, p.Arg405Pro (NM_001348056.2); c.1100G>C, p.Arg367Pro (NM_001348059.2); c.956G>C, p.Arg319Pro (NM_001348060.2); short protein forms R338P, R405P, R334P, R319P, R367P.
Identifiers: ClinVar variation 2078316 (VCV002078316.4), dbSNP rs748189454, ClinGen allele CA1890056.